The following is an entry in ClinVar:

NM_000155.4(GALT):c.948G>A (p.Trp316Ter)

Gene: GALT (galactose-1-phosphate uridylyltransferase; plus strand). Cytogenetic location: 9p13.3.
Variant type: single nucleotide variant.
Coding change: c.948G>A on transcript NM_000155.4 (MANE Select); coding-DNA position 948, G replaced by A.
Protein change: p.Trp316Ter; replaces tryptophan 316 with a stop codon.
Molecular consequence: nonsense.
Genome position (GRCh38, 1-based): chr9:34,649,453, G>A. VCF-style: chr9-34649453-G-A. GRCh37 (hg19) VCF-style: chr9-34649450-G-A.
Other names: p.Trp316*; c.621G>A, p.Trp207Ter (NM_001258332.2); short protein forms W316*, W207*.
Identifiers: ClinVar variation 25292 (VCV000025292.5), dbSNP rs111033791, ClinGen allele CA259535.

ClinVar aggregate classification (germline): Pathogenic. Review status: criteria provided, single submitter (1 of 4 stars). 2 submissions from 2 submitters: Pathogenic (1). 1 of the submissions does not count toward it. Last evaluated 2024-08-05.

Conditions:
Deficiency of UDPglucose-hexose-1-phosphate uridylyltransferase. Also called: GALT deficiency; Galactosemia, classic; Transferase Deficiency Galactosemia; GALACTOSEMIA I; GALACTOSE-1-PHOSPHATE URIDYLYLTRANSFERASE DEFICIENCY. Identifiers: Orphanet 352, Orphanet 79239, MedGen C0268151, MONDO:0009258, OMIM 230400.

Submissions (2):

Mayo Clinic Laboratories, Mayo Clinic
Classification: Pathogenic. Last evaluated: 2024-08-05. Review status: criteria provided, single submitter. Criteria: ACMG Guidelines, 2015. Collection method: clinical testing. Allele origin: germline. Observed: 1 variant allele.
Comment: PM2, PM3, PVS1

Counsyl
Classification: Pathogenic for Deficiency of UDPglucose-hexose-1-phosphate uridylyltransferase. Last evaluated: 2017-05-31. Review status: no assertion criteria provided. Collection method: clinical testing. Allele origin: unknown. Not counted in ClinVar's aggregate classification.

Literature cited by the submitters: PubMed 11261429 (cited by Mayo Clinic Laboratories, Mayo Clinic); PubMed 8598637 (cited by Mayo Clinic Laboratories, Mayo Clinic and Counsyl); PubMed 8892021 (cited by Mayo Clinic Laboratories, Mayo Clinic and Counsyl).